The following is an entry in ClinVar:

ClinVar aggregate classification (germline): Uncertain significance. Review status: criteria provided, multiple submitters, no conflicts (2 of 4 stars). 4 submissions from 4 submitters: Uncertain significance (4). Last evaluated 2025-03-04.

Conditions:
Hereditary cancer-predisposing syndrome. Also called: Hereditary neoplastic syndrome; Neoplastic Syndromes, Hereditary; Hereditary Cancer Syndrome; Tumor predisposition. Identifiers: Orphanet 140162, MedGen C0027672, MeSH D009386, MONDO:0015356.
Lynch syndrome. Identifiers: Orphanet 144, MedGen C4552100, MONDO:0005835. Disease mechanism: loss of function.
Hereditary nonpolyposis colorectal neoplasms. Identifiers: MedGen C0009405, MeSH D003123.

Submissions (4):

Center for Genomic Medicine, Rigshospitalet, Copenhagen University Hospital
Classification: Uncertain significance. Last evaluated: 2025-03-04. Review status: criteria provided, single submitter. Criteria: ACMG Guidelines, 2015. Collection method: clinical testing. Allele origin: germline.

All of Us Research Program, National Institutes of Health
Classification: Uncertain significance for Lynch syndrome. Last evaluated: 2024-07-10. Review status: criteria provided, single submitter. Criteria: ACMG Guidelines, 2015. Collection method: clinical testing. Allele origin: germline. Inheritance: Autosomal dominant inheritance. Observed: 1 variant allele, 1 heterozygote.
Comment: This missense variant replaces lysine with arginine at codon 504 of the MSH6 protein. Computational prediction suggests that this variant may not impact protein structure and function (internally defined REVEL score threshold <= 0.5, PMID: 27666373). To our knowledge, functional studies have not been reported for this variant. This variant has not been reported in individuals affected with MSH6-related disorders in the literature. This variant has not been identified in the general population by the Genome Aggregation Database (gnomAD). The available evidence is insufficient to determine the role of this variant in disease conclusively. Therefore, this variant is classified as a Variant of Uncertain Significance.

This study involves interpretation of variants in research participants for the purpose of population health screening. Participant phenotype was not available at the time of variant classification. Additional details can be found in publication PMID: 35346344, PMCID: PMC8962531

Ambry Genetics
Classification: Uncertain significance for Hereditary cancer-predisposing syndrome. Last evaluated: 2024-06-13. Review status: criteria provided, single submitter. Criteria: Ambry Variant Classification Scheme 2023. Collection method: clinical testing. Allele origin: germline.
Comment: The p.K504R variant (also known as c.1511A>G), located in coding exon 4 of the MSH6 gene, results from an A to G substitution at nucleotide position 1511. The lysine at codon 504 is replaced by arginine, an amino acid with highly similar properties. This amino acid position is conserved. In addition, the in silico prediction for this alteration is inconclusive. Based on the available evidence, the clinical significance of this variant remains unclear.

Labcorp Genetics (formerly Invitae), Labcorp
Classification: Uncertain significance for Hereditary nonpolyposis colorectal neoplasms. Last evaluated: 2022-11-20. Review status: criteria provided, single submitter. Criteria: Invitae Variant Classification Sherloc (09022015). Collection method: clinical testing. Allele origin: germline.
Comment: This variant is not present in population databases (gnomAD no frequency). This sequence change replaces lysine, which is basic and polar, with arginine, which is basic and polar, at codon 504 of the MSH6 protein (p.Lys504Arg). This variant has not been reported in the literature in individuals affected with MSH6-related conditions. Advanced modeling of protein sequence and biophysical properties (such as structural, functional, and spatial information, amino acid conservation, physicochemical variation, residue mobility, and thermodynamic stability) performed at Invitae indicates that this missense variant is not expected to disrupt MSH6 protein function. In summary, the available evidence is currently insufficient to determine the role of this variant in disease. Therefore, it has been classified as a Variant of Uncertain Significance.

NM_000179.3(MSH6):c.1511A>G (p.Lys504Arg)

Gene: MSH6 (mutS homolog 6; plus strand). Cytogenetic location: 2p16.3.
Variant type: single nucleotide variant.
Coding change: c.1511A>G on transcript NM_000179.3 (MANE Select); coding-DNA position 1511, A replaced by G.
Protein change: p.Lys504Arg; replaces lysine 504 with arginine.
Molecular consequence: missense variant.
Genome position (GRCh38, 1-based): chr2:47,799,494, A>G. VCF-style: chr2-47799494-A-G. GRCh37 (hg19) VCF-style: chr2-48026633-A-G.
Other names: c.1214A>G, p.Lys405Arg (NM_001406828.1, NM_001406830.1, NM_001406797.1 and 10 more transcripts); c.605A>G, p.Lys202Arg (NM_001406829.1, NM_001281493.2, NM_001281494.2 and 6 more transcripts); c.1121A>G, p.Lys374Arg (NM_001281492.2); c.1607A>G, p.Lys536Arg (NM_001406795.1, NM_001406802.1); c.1511A>G, p.Lys504Arg (NM_001406796.1, NM_001406798.1, NM_001406800.1 and 4 more transcripts); c.986A>G, p.Lys329Arg (NM_001406799.1, NM_001406806.1, NM_001406807.1); c.1433A>G, p.Lys478Arg (NM_001406804.1); c.1517A>G, p.Lys506Arg (NM_001406813.1); and 1 more; short protein forms K202R, K329R, K374R, K405R, K448R, K478R, K504R, K506R.
Identifiers: ClinVar variation 1720258 (VCV001720258.10), dbSNP rs2104348595, ClinGen allele CA346746289.